The following is an entry in ClinVar:

ClinVar aggregate classification (germline): Uncertain significance. Review status: criteria provided, single submitter (1 of 4 stars). 2 submissions from 2 submitters: Uncertain significance (1). 1 of the submissions does not count toward it. Last evaluated 2025-05-27.

Conditions:
Nephronophthisis. Also called: Juvenile Nephronophthisis. Identifiers: Orphanet 655, MedGen C0687120, MONDO:0019005, HP:0000090.
NPHP4-related disorder. Also called: NPHP4-related condition; NPHP4-related disorders. Identifiers: MedGen CN239384.

Submissions (2):

Labcorp Genetics (formerly Invitae), Labcorp
Classification: Uncertain significance for Nephronophthisis. Last evaluated: 2025-05-27. Review status: criteria provided, single submitter. Criteria: Invitae Variant Classification Sherloc (09022015). Collection method: clinical testing. Allele origin: germline.
Comment: This sequence change replaces isoleucine, which is neutral and non-polar, with leucine, which is neutral and non-polar, at codon 760 of the NPHP4 protein (p.Ile760Leu). This variant is not present in population databases (gnomAD no frequency). This variant has not been reported in the literature in individuals affected with NPHP4-related conditions. ClinVar contains an entry for this variant (Variation ID: 1014012). Invitae Evidence Modeling of protein sequence and biophysical properties (such as structural, functional, and spatial information, amino acid conservation, physicochemical variation, residue mobility, and thermodynamic stability) indicates that this missense variant is not expected to disrupt NPHP4 protein function with a negative predictive value of 80%. In summary, the available evidence is currently insufficient to determine the role of this variant in disease. Therefore, it has been classified as a Variant of Uncertain Significance.

PreventionGenetics, part of Exact Sciences
Classification: Uncertain significance for NPHP4-related condition. Last evaluated: 2024-06-10. Review status: no assertion criteria provided. Collection method: clinical testing. Allele origin: germline. Not counted in ClinVar's aggregate classification.
Comment: The NPHP4 c.2278A>C variant is predicted to result in the amino acid substitution p.Ile760Leu. To our knowledge, this variant has not been reported in the literature or in a large population database, indicating this variant is rare. At this time, the clinical significance of this variant is uncertain due to the absence of conclusive functional and genetic evidence.

NM_015102.5(NPHP4):c.2278A>C (p.Ile760Leu)

Gene: NPHP4 (nephrocystin 4; minus strand). Cytogenetic location: 1p36.31.
Variant type: single nucleotide variant.
Coding change: c.2278A>C on transcript NM_015102.5 (MANE Select); coding-DNA position 2278, A replaced by C.
Protein change: p.Ile760Leu; replaces isoleucine 760 with leucine.
Molecular consequence: missense variant. On other transcripts: non-coding transcript variant (1).
Genome position (GRCh38, 1-based): chr1:5,890,894, T>G on the plus strand (A>C on the coding strand, the complement: NPHP4 is on the minus strand). VCF-style: chr1-5890894-T-G. GRCh37 (hg19) VCF-style: chr1-5950954-T-G.
Other names: c.2278A>C (NM_015102.4); c.739A>C, p.Ile247Leu (NM_001291593.2); c.742A>C, p.Ile248Leu (NM_001291594.2); short protein forms I247L, I248L, I760L.
Identifiers: ClinVar variation 1014012 (VCV001014012.9), dbSNP rs1044293014, ClinGen allele CA338059288.